The following is an entry in ClinVar:

ClinVar aggregate classification (germline): Conflicting classifications of pathogenicity. Review status: criteria provided, conflicting classifications (1 of 4 stars). 4 submissions from 4 submitters: Uncertain significance (3); Likely benign (1). Last evaluated 2025-12-01.

Conditions:
FUS-related disorder. Also called: FUS-related condition.
Amyotrophic lateral sclerosis type 6. Also called: FUS-Related Amyotrophic Laterial Sclerosis; AMYOTROPHIC LATERAL SCLEROSIS 6 WITHOUT FRONTOTEMPORAL DEMENTIA; Amyotrophic lateral sclerosis 6, with or without frontotemporal dementia. Identifiers: Orphanet 275872, Orphanet 803, MedGen C2931786, MONDO:0011951, OMIM 608030.
Tremor, hereditary essential, 4 (ETM4). Identifiers: MedGen C3539195, MONDO:0013888, OMIM 614782.

Allele frequency attached by ClinVar (database versions not stated): gnomAD exomes 0.00001 and 0.00002; ExAC 0.00002; gnomAD 0.00002; TOPMed 0.00002; ESP Exome Variant Server 0.00008.
gnomAD v4.1: 17 of 1,613,996 alleles (0.0011%); highest among the groups gnomAD compares: Non-Finnish European, 0.0014%; no homozygotes.

Submissions (4):

CeGaT Center for Human Genetics Tuebingen
Classification: Likely benign. Last evaluated: 2025-12-01. Review status: criteria provided, single submitter. Criteria: CeGaT Center For Human Genetics Tuebingen Variant Classification Criteria Version 2. Collection method: clinical testing. Allele origin: germline. Affected: yes. Observed: 1 variant allele.
Comment: FUS: BP4

Athena Diagnostics
Classification: Uncertain significance. Last evaluated: 2025-09-15. Review status: criteria provided, single submitter. Criteria: Athena Diagnostics Criteria. Collection method: clinical testing. Allele origin: unknown.
Comment: Available data are insufficient to determine the clinical significance of the variant at this time. The frequency of this variant in the general population is uninformative in assessment of its pathogenicity. Polyphen and MutationTaster predict this amino acid change may be benign.

PreventionGenetics, part of Exact Sciences
Classification: Uncertain significance for FUS-related condition. Last evaluated: 2025-08-22. Review status: criteria provided, single submitter. Criteria: ACMG Guidelines, 2015. Collection method: clinical testing. Allele origin: germline.
Comment: The FUS c.317C>T variant is predicted to result in the amino acid substitution p.Pro106Leu. This variant was reported as a variant of uncertain significance in an individual with frontotemporal dementia and in an individual with amyotrophic lateral sclerosis (Huey et al. 2012. PubMed ID: 21943958; Tripolszki et al. 2019. PubMed ID: 31475037). This variant is reported in 0.0039% of alleles in individuals of European (Non-Finnish) descent in gnomAD. At this time, the clinical significance of this variant is uncertain due to the absence of conclusive functional and genetic evidence.

Labcorp Genetics (formerly Invitae), Labcorp
Classification: Uncertain significance for Tremor, hereditary essential, 4; Amyotrophic lateral sclerosis type 6. Last evaluated: 2023-03-16. Review status: criteria provided, single submitter. Criteria: Invitae Variant Classification Sherloc (09022015). Collection method: clinical testing. Allele origin: germline.
Comment: This sequence change replaces proline, which is neutral and non-polar, with leucine, which is neutral and non-polar, at codon 106 of the FUS protein (p.Pro106Leu). This variant is present in population databases (rs374191107, gnomAD 0.003%). This missense change has been observed in individual(s) with frontotemporal lobar degeneration and clinical features of amyotrophic lateral sclerosis (PMID: 21943958, 31475037). ClinVar contains an entry for this variant (Variation ID: 804815). Experimental studies and prediction algorithms are not available or were not evaluated, and the functional significance of this variant is currently unknown. In summary, the available evidence is currently insufficient to determine the role of this variant in disease. Therefore, it has been classified as a Variant of Uncertain Significance.

Literature cited by the submitters: PubMed 21943958 (cited by Athena Diagnostics and Labcorp Genetics (formerly Invitae), Labcorp); PubMed 31475037 (cited by Athena Diagnostics and Labcorp Genetics (formerly Invitae), Labcorp).

NM_004960.4(FUS):c.317C>T (p.Pro106Leu)

Gene: FUS (FUS DNA/RNA binding protein; plus strand). Cytogenetic location: 16p11.2.
Variant type: single nucleotide variant.
Coding change: c.317C>T on transcript NM_004960.4 (MANE Select); coding-DNA position 317, C replaced by T.
Protein change: p.Pro106Leu; replaces proline 106 with leucine.
Molecular consequence: missense variant. On other transcripts: non-coding transcript variant (1).
Genome position (GRCh38, 1-based): chr16:31,183,984, C>T. VCF-style: chr16-31183984-C-T. GRCh37 (hg19) VCF-style: chr16-31195305-C-T.
Other names: c.314C>T, p.Pro105Leu (NM_001170634.1); c.317C>T, p.Pro106Leu (NM_001170937.1); short protein forms P106L, P105L.
Identifiers: ClinVar variation 804815 (VCV000804815.11), dbSNP rs374191107, ClinGen allele CA8023567.